The following is an entry in ClinVar:

ClinVar aggregate classification (germline): Uncertain significance (1 of 4 stars; one submission).

Conditions:
Primary dilated cardiomyopathy (DCM). Also called: Dilated Cardiomyopathy. Identifiers: Orphanet 217604, MedGen C0007193, MeSH D002311, MONDO:0005021, HP:0001644. Inheritance: Various modes of inheritance.

gnomAD v4.1: 1 of 1,614,098 alleles (0.000062%); highest among the groups gnomAD compares: African/African-American, 0.0013%; no homozygotes.

Submission:

Labcorp Genetics (formerly Invitae), Labcorp
Classification: Uncertain significance for Primary dilated cardiomyopathy. Last evaluated: 2025-12-22. Review status: criteria provided, single submitter. Criteria: Invitae Variant Classification Sherloc (09022015). Collection method: clinical testing. Allele origin: germline.
Comment: This sequence change replaces aspartic acid, which is acidic and polar, with asparagine, which is neutral and polar, at codon 91 of the FHL2 protein (p.Asp91Asn). This variant is present in population databases (no rsID available, gnomAD 0.007%). This variant has not been reported in the literature in individuals affected with FHL2-related conditions. Invitae Evidence Modeling of protein sequence and biophysical properties (such as structural, functional, and spatial information, amino acid conservation, physicochemical variation, residue mobility, and thermodynamic stability) indicates that this missense variant is not expected to disrupt FHL2 protein function with a negative predictive value of 80%. In summary, the available evidence is currently insufficient to determine the role of this variant in disease. Therefore, it has been classified as a Variant of Uncertain Significance.

NM_001318895.3(FHL2):c.271G>A (p.Asp91Asn)

Genes: C2orf49 (chromosome 2 open reading frame 49; plus strand), FHL2 (four and a half LIM domains 2; minus strand). Cytogenetic location: 2q12.2.
Variant type: single nucleotide variant.
Coding change: c.271G>A on transcript NM_001318895.3 (MANE Select); coding-DNA position 271, G replaced by A.
Protein change: p.Asp91Asn; replaces aspartic acid 91 with asparagine.
Molecular consequence: missense variant. On other transcripts: 5 prime UTR variant (1), intron variant (2).
Genome position (GRCh38, 1-based): chr2:105,373,619, C>T on the plus strand (G>A on the coding strand, the complement: FHL2 is on the minus strand). VCF-style: chr2-105373619-C-T. GRCh37 (hg19) VCF-style: chr2-105990076-C-T.
Other names: c.271G>A, p.Asp91Asn (NM_001039492.3, NM_001318894.1, NM_001318896.2 and 4 more transcripts); c.-54G>A (NM_001318899.2); c.-11-5880G>A (NM_001318897.2, NM_001318898.2); short protein forms D91N.
Identifiers: ClinVar variation 4743739 (VCV004743739.1).